The following is an entry in ClinVar:

NM_007294.4(BRCA1):c.258A>G (p.Leu86=)

Gene: BRCA1 (BRCA1 DNA repair associated; minus strand). Cytogenetic location: 17q21.31.
Variant type: single nucleotide variant.
Coding change: c.258A>G on transcript NM_007294.4 (MANE Select); coding-DNA position 258, A replaced by G.
Protein change: p.Leu86=; no amino-acid change (leucine 86 retained).
Molecular consequence: synonymous variant. On other transcripts: 5 prime UTR variant (7), intron variant (2).
Genome position (GRCh38, 1-based): chr17:43,104,911, T>C on the plus strand (A>G on the coding strand, the complement: BRCA1 is on the minus strand). VCF-style: chr17-43104911-T-C. GRCh37 (hg19) VCF-style: chr17-41256928-T-C.
Other names: c.258A>G, p.Leu86= (NM_001407618.1, NM_001407619.1, NM_001407620.1 and 168 more transcripts); c.180A>G, p.Leu60= (NM_001407653.1, NM_001407654.1, NM_001407655.1 and 21 more transcripts); c.117A>G, p.Leu39= (NM_001407692.1, NM_001407694.1, NM_001407695.1 and 99 more transcripts); c.48A>G, p.Leu16= (NM_001407853.1, NM_001407879.1, NM_001407881.1 and 58 more transcripts); c.-124A>G (NM_001407959.1, NM_001407960.1, NM_001407962.1 and 4 more transcripts); c.126A>G, p.Leu42= (NM_001408451.1); c.-218-10051A>G (NM_001407967.1, NM_001407966.1).
Identifiers: ClinVar variation 187586 (VCV000187586.27), dbSNP rs777491912, ClinGen allele CA001701.

ClinVar aggregate classification (germline): Likely benign. Review status: reviewed by expert panel (3 of 4 stars). 8 submissions from 8 submitters: Likely benign (1). 7 of the submissions do not count toward it. Last evaluated 2017-06-29.

Conditions:
Hereditary breast ovarian cancer syndrome. Also called: Hereditary breast and ovarian cancer syndrome; Hereditary breast and ovarian cancer syndrome (HBOC); BRCA1- and BRCA2-Associated Hereditary Breast and Ovarian Cancer; Breast and ovarian cancer; Hereditary breast and ovarian cancer; Hereditary breast and/or ovarian cancer syndrome. Identifiers: Orphanet 145, MedGen C0677776, MeSH D061325, MONDO:0003582. Disease mechanism: loss of function.
Hereditary cancer-predisposing syndrome. Also called: Hereditary Cancer Syndrome; Hereditary neoplastic syndrome; Tumor predisposition; Neoplastic Syndromes, Hereditary. Identifiers: Orphanet 140162, MedGen C0027672, MeSH D009386, MONDO:0015356.
Breast-ovarian cancer, familial, susceptibility to, 1 (BROVCA1). Also called: OVARIAN CANCER, SUSCEPTIBILITY TO; BRCA1 Hereditary Breast and Ovarian Cancer. Identifiers: Orphanet 145, MedGen C2676676, MONDO:0011450, OMIM 604370. Disease mechanism: loss of function.

gnomAD v4.1: 4 of 1,613,996 alleles (0.00025%); highest among the groups gnomAD compares: Admixed American, 0.0017%; no homozygotes.

Submissions (9):

Evidence-based Network for the Interpretation of Germline Mutant Alleles (ENIGMA)
Classification: Likely benign for Breast-ovarian cancer, familial, susceptibility to, 1. Last evaluated: 2017-06-29. Review status: reviewed by expert panel. Criteria: ENIGMA BRCA1/2 Classification Criteria (2017-06-29). Collection method: curation. Allele origin: germline.
Comment: Synonymous substitution variant, with low bioinformatic likelihood to result in a splicing aberration (Splicing prior probability 0.02).

Labcorp Genetics (formerly Invitae), Labcorp
Classification: Likely benign for Hereditary breast ovarian cancer syndrome. Last evaluated: 2025-11-09. Review status: criteria provided, single submitter. Criteria: Invitae Variant Classification Sherloc (09022015). Collection method: clinical testing. Allele origin: germline. Not counted in ClinVar's aggregate classification.

Quest Diagnostics Nichols Institute San Juan Capistrano
Classification: Likely benign. Last evaluated: 2023-05-12. Review status: criteria provided, single submitter. Criteria: Quest Diagnostics criteria. Collection method: clinical testing. Allele origin: unknown. Not counted in ClinVar's aggregate classification.

All of Us Research Program, National Institutes of Health
Classification: Likely benign for Breast-ovarian cancer, familial, susceptibility to, 1. Last evaluated: 2023-05-08. Review status: criteria provided, single submitter. Criteria: ACMG Guidelines, 2015. Collection method: clinical testing. Allele origin: germline. Inheritance: Autosomal dominant inheritance. Observed: 2 variant alleles, 2 heterozygotes. Not counted in ClinVar's aggregate classification.
Comment: This study involves interpretation of variants in research participants for the purpose of population health screening. Participant phenotype was not available at the time of variant classification. Additional details can be found in publication PMID: 35346344, PMCID: PMC8962531

Women's Health and Genetics/Laboratory Corporation of America, LabCorp
Classification: Likely benign. Last evaluated: 2020-12-03. Review status: criteria provided, single submitter. Criteria: LabCorp Variant Classification Summary - May 2015. Collection method: clinical testing. Allele origin: germline. Not counted in ClinVar's aggregate classification.

Color Diagnostics, LLC DBA Color Health
Classification: Likely benign for Hereditary cancer-predisposing syndrome. Last evaluated: 2017-11-26. Review status: criteria provided, single submitter. Criteria: ACMG Guidelines, 2015. Collection method: clinical testing. Allele origin: germline. Not counted in ClinVar's aggregate classification.

GeneDx
Classification: Likely benign. Last evaluated: 2016-06-28. Review status: criteria provided, single submitter. Criteria: GeneDx Variant Classification (06012015). Collection method: clinical testing. Allele origin: germline. Affected: yes. Not counted in ClinVar's aggregate classification.
Comment: This variant is considered likely benign or benign based on one or more of the following criteria: it is a conservative change, it occurs at a poorly conserved position in the protein, it is predicted to be benign by multiple in silico algorithms, and/or has population frequency not consistent with disease.

Ambry Genetics
Classification: Likely benign for Hereditary cancer-predisposing syndrome. Last evaluated: 2014-12-19. Review status: criteria provided, single submitter. Criteria: Ambry Variant Classification Scheme 2023. Collection method: clinical testing. Allele origin: germline. Not counted in ClinVar's aggregate classification.

Brotman Baty Institute, University of Washington
No classification provided (evidence only). Condition: Breast-ovarian cancer, familial 1. Review status: no classification provided. Collection method: in vitro. Allele origin: not applicable. Functional consequence: functionally_normal. Not counted in ClinVar's aggregate classification.
ClinVar note: "not provided" was previously submitted as the classification for the variant. However, the classification appeared to be based only on an observation of functional data so it was converted to no classification on 2025-07-30.

Literature cited by the submitters: PubMed 30209399 (cited by Quest Diagnostics Nichols Institute San Juan Capistrano).